The following is an entry in ClinVar:

ClinVar aggregate classification (germline): Uncertain significance (1 of 4 stars; one submission).

Conditions:
Charcot-Marie-Tooth disease dominant intermediate B (CMTDIB). Also called: Charcot-Marie-Tooth disease dominant intermediate 1; CMT DI1; Charcot-Marie-Tooth disease dominant intermediate I; CHARCOT-MARIE-TOOTH NEUROPATHY, DOMINANT INTERMEDIATE B. Identifiers: Orphanet 100044, Orphanet 228179, MedGen C1847902, MONDO:0011674, OMIM 606482.

Submission:

Labcorp Genetics (formerly Invitae), Labcorp
Classification: Uncertain significance for Charcot-Marie-Tooth disease dominant intermediate B. Last evaluated: 2022-03-24. Review status: criteria provided, single submitter. Criteria: Invitae Variant Classification Sherloc (09022015). Collection method: clinical testing. Allele origin: germline.
Comment: In summary, the available evidence is currently insufficient to determine the role of this variant in disease. Therefore, it has been classified as a Variant of Uncertain Significance. Algorithms developed to predict the effect of missense changes on protein structure and function are either unavailable or do not agree on the potential impact of this missense change (SIFT: "Deleterious"; PolyPhen-2: "Probably Damaging"; Align-GVGD: "Class C15"). This variant has not been reported in the literature in individuals affected with DNM2-related conditions. This variant is not present in population databases (gnomAD no frequency). This sequence change replaces leucine, which is neutral and non-polar, with phenylalanine, which is neutral and non-polar, at codon 69 of the DNM2 protein (p.Leu69Phe).

NM_001005361.3(DNM2):c.205C>T (p.Leu69Phe)

Gene: DNM2 (dynamin 2; plus strand). Cytogenetic location: 19p13.2.
Variant type: single nucleotide variant.
Coding change: c.205C>T on transcript NM_001005361.3 (MANE Select); coding-DNA position 205, C replaced by T.
Protein change: p.Leu69Phe; replaces leucine 69 with phenylalanine.
Molecular consequence: missense variant.
Genome position (GRCh38, 1-based): chr19:10,759,781, C>T. VCF-style: chr19-10759781-C-T. GRCh37 (hg19) VCF-style: chr19-10870457-C-T.
Other names: c.205C>T, p.Leu69Phe (NM_001005360.3, NM_001005362.3, NM_001190716.2 and 1 more transcripts); short protein forms L69F.
Identifiers: ClinVar variation 1348797 (VCV001348797.6), dbSNP rs2145855703, ClinGen allele CA404040216.